The following is an entry in ClinVar:

NM_000632.4(ITGAM):c.2137A>G (p.Thr713Ala)

Gene: ITGAM (integrin subunit alpha M; plus strand). Cytogenetic location: 16p11.2.
Variant type: single nucleotide variant.
Coding change: c.2137A>G on transcript NM_000632.4 (MANE Select); coding-DNA position 2137, A replaced by G.
Protein change: p.Thr713Ala; replaces threonine 713 with alanine.
Molecular consequence: missense variant.
Genome position (GRCh38, 1-based): chr16:31,324,533, A>G. VCF-style: chr16-31324533-A-G. GRCh37 (hg19) VCF-style: chr16-31335854-A-G.
Other names: c.2140A>G, p.Thr714Ala (NM_001145808.2); short protein forms T713A, T714A.
Identifiers: ClinVar variation 3669182 (VCV003669182.2).

ClinVar aggregate classification (germline): Uncertain significance (1 of 4 stars; one submission).

gnomAD v4.1: 1 of 1,609,258 alleles (0.000062%); highest among the groups gnomAD compares: East Asian, 0.0022%; no homozygotes.

Submission:

Labcorp Genetics (formerly Invitae), Labcorp
Classification: Uncertain significance. Last evaluated: 2024-08-05. Review status: criteria provided, single submitter. Criteria: Invitae Variant Classification Sherloc (09022015). Collection method: clinical testing. Allele origin: germline.
Comment: This sequence change replaces threonine, which is neutral and polar, with alanine, which is neutral and non-polar, at codon 713 of the ITGAM protein (p.Thr713Ala). This variant is not present in population databases (gnomAD no frequency). This variant has not been reported in the literature in individuals affected with ITGAM-related conditions. An algorithm developed to predict the effect of missense changes on protein structure and function (PolyPhen-2) suggests that this variant is likely to be tolerated. In summary, the available evidence is currently insufficient to determine the role of this variant in disease. Therefore, it has been classified as a Variant of Uncertain Significance.